The following is an entry in ClinVar:

NM_004588.5(SCN2B):c.488G>A (p.Gly163Asp)

Gene: SCN2B (sodium voltage-gated channel beta subunit 2; minus strand). Cytogenetic location: 11q23.3.
Variant type: single nucleotide variant.
Coding change: c.488G>A on transcript NM_004588.5 (MANE Select); coding-DNA position 488, G replaced by A.
Protein change: p.Gly163Asp; replaces glycine 163 with aspartic acid.
Molecular consequence: missense variant.
Genome position (GRCh38, 1-based): chr11:118,167,047, C>T on the plus strand (G>A on the coding strand, the complement: SCN2B is on the minus strand). VCF-style: chr11-118167047-C-T. GRCh37 (hg19) VCF-style: chr11-118037762-C-T.
Other names: short protein forms G163D.
Identifiers: ClinVar variation 4160611 (VCV004160611.1).

ClinVar aggregate classification (germline): Uncertain significance (1 of 4 stars; one submission).

Conditions:
Cardiovascular phenotype. Identifiers: MedGen CN230736.

Submission:

Ambry Genetics
Classification: Uncertain significance for Cardiovascular phenotype. Last evaluated: 2025-09-04. Review status: criteria provided, single submitter. Criteria: Ambry Variant Classification Scheme 2023. Collection method: clinical testing. Allele origin: germline.
Comment: The p.G163D variant (also known as c.488G>A), located in coding exon 4 of the SCN2B gene, results from a G to A substitution at nucleotide position 488. The glycine at codon 163 is replaced by aspartic acid, an amino acid with similar properties. This amino acid position is conserved. In addition, this alteration is predicted to be deleterious by in silico analysis. Based on the available evidence, the clinical significance of this variant remains unclear.